The following is an entry in ClinVar:

ClinVar aggregate classification (germline): Uncertain significance (1 of 4 stars; one submission).

Conditions:
Inborn genetic diseases. Identifiers: MedGen C0950123, MeSH D030342.

Submission:

Ambry Genetics
Classification: Uncertain significance for Inborn genetic diseases. Last evaluated: 2026-07-19. Review status: criteria provided, single submitter. Criteria: Ambry Variant Classification Scheme 2023. Collection method: clinical testing. Allele origin: germline.
Comment: The p.S538R variant (also known as c.1614C>G), located in coding exon 7 of the SH2B3 gene, results from a C to G substitution at nucleotide position 1614. The serine at codon 538 is replaced by arginine, an amino acid with dissimilar properties. This amino acid position is conserved. In addition, this alteration is predicted to be tolerated by in silico analysis. Based on the available evidence, the clinical significance of this variant remains unclear.

NM_005475.3(SH2B3):c.1614C>G (p.Ser538Arg)

Gene: SH2B3 (SH2B adaptor protein 3; plus strand). Cytogenetic location: 12q24.12.
Variant type: single nucleotide variant.
Coding change: c.1614C>G on transcript NM_005475.3 (MANE Select); coding-DNA position 1614, C replaced by G.
Protein change: p.Ser538Arg; replaces serine 538 with arginine.
Molecular consequence: missense variant.
Genome position (GRCh38, 1-based): chr12:111,448,188, C>G. VCF-style: chr12-111448188-C-G. GRCh37 (hg19) VCF-style: chr12-111885992-C-G.
Other names: c.1008C>G, p.Ser336Arg (NM_001291424.1); short protein forms S538R, S336R.
Identifiers: ClinVar variation 5029478 (VCV005029478.1).